The following is an entry in ClinVar:

ClinVar aggregate classification (germline): Uncertain significance (1 of 4 stars; one submission).

Allele frequency attached by ClinVar (database versions not stated): TOPMed below 0.00001; gnomAD 0.00001.

Submission:

Labcorp Genetics (formerly Invitae), Labcorp
Classification: Uncertain significance. Last evaluated: 2023-08-25. Review status: criteria provided, single submitter. Criteria: Invitae Variant Classification Sherloc (09022015). Collection method: clinical testing. Allele origin: germline.
Comment: In summary, the available evidence is currently insufficient to determine the role of this variant in disease. Therefore, it has been classified as a Variant of Uncertain Significance. An algorithm developed to predict the effect of missense changes on protein structure and function (PolyPhen-2) suggests that this variant is likely to be tolerated. This variant has not been reported in the literature in individuals affected with ADAMTS10-related conditions. This variant is not present in population databases (gnomAD no frequency). This sequence change replaces methionine, which is neutral and non-polar, with valine, which is neutral and non-polar, at codon 995 of the ADAMTS10 protein (p.Met995Val).

NM_030957.4(ADAMTS10):c.2983A>G (p.Met995Val)

Gene: ADAMTS10 (ADAM metallopeptidase with thrombospondin type 1 motif 10; minus strand). Cytogenetic location: 19p13.2.
Variant type: single nucleotide variant.
Coding change: c.2983A>G on transcript NM_030957.4 (MANE Select); coding-DNA position 2983, A replaced by G.
Protein change: p.Met995Val; replaces methionine 995 with valine.
Molecular consequence: missense variant.
Genome position (GRCh38, 1-based): chr19:8,585,191, T>C on the plus strand (A>G on the coding strand, the complement: ADAMTS10 is on the minus strand). VCF-style: chr19-8585191-T-C. GRCh37 (hg19) VCF-style: chr19-8650075-T-C.
Other names: c.1444A>G, p.Met482Val (NM_001282352.2); short protein forms M995V, M482V.
Identifiers: ClinVar variation 2996355 (VCV002996355.3), dbSNP rs1471904858, ClinGen allele CA403748548.